The following is an entry in ClinVar:

ClinVar aggregate classification (germline): Likely benign (0 of 4 stars; one submission).

Conditions:
SEMA3G-related disorder. Also called: SEMA3G-related condition.

gnomAD v4.1: 3 of 1,292,700 alleles (0.00023%); highest among the groups gnomAD compares: African/African-American, 0.0046%; no homozygotes.

Submission:

PreventionGenetics, part of Exact Sciences
Classification: Likely benign for SEMA3G-related condition. Last evaluated: 2022-08-08. Review status: no assertion criteria provided. Collection method: clinical testing. Allele origin: germline.
Comment: This variant is classified as likely benign based on ACMG/AMP sequence variant interpretation guidelines (Richards et al. 2015 PMID: 25741868, with internal and published modifications).

NM_020163.3(SEMA3G):c.45C>G (p.Leu15=)

Gene: SEMA3G (semaphorin 3G; minus strand). Cytogenetic location: 3p21.1.
Variant type: single nucleotide variant.
Coding change: c.45C>G on transcript NM_020163.3 (MANE Select); coding-DNA position 45, C replaced by G.
Protein change: p.Leu15=; no amino-acid change (leucine 15 retained).
Molecular consequence: synonymous variant.
Genome position (GRCh38, 1-based): chr3:52,444,983, G>C on the plus strand (C>G on the coding strand, the complement: SEMA3G is on the minus strand). VCF-style: chr3-52444983-G-C. GRCh37 (hg19) VCF-style: chr3-52478999-G-C.
Identifiers: ClinVar variation 3352031 (VCV003352031.1).
Genomic context (GRCh38, chr3:52,444,983, plus strand): 5'-GAGCCGCAGGCGGGGCACACTGGGGCCGGGGCTGGGGCCAGAGCTACCCCCATGGAGCAG[G>C]AGGCCCCCTAGCAGCCAGCAAATGGCCCAGGCCGAGGGGGCCATGCTGGGGAACTGAGGG-3'
Protein context (NP_064548.1, residues 5-25): AWAICWLLGG[Leu15=]LLHGGSSGPS